The following is an entry in ClinVar:

NM_032043.3(BRIP1):c.411G>A (p.Lys137=)

Gene: BRIP1 (BRCA1 interacting DNA helicase 1; minus strand). Cytogenetic location: 17q23.2.
Variant type: single nucleotide variant.
Coding change: c.411G>A on transcript NM_032043.3 (MANE Select); coding-DNA position 411, G replaced by A.
Protein change: p.Lys137=; no amino-acid change (lysine 137 retained).
Molecular consequence: synonymous variant.
Genome position (GRCh38, 1-based): chr17:61,849,225, C>T on the plus strand (G>A on the coding strand, the complement: BRIP1 is on the minus strand). VCF-style: chr17-61849225-C-T. GRCh37 (hg19) VCF-style: chr17-59926586-C-T.
Identifiers: ClinVar variation 3378626 (VCV003378626.1).

ClinVar aggregate classification (germline): Benign (1 of 4 stars; one submission).

Conditions:
Familial cancer of breast. Also called: hereditary breast carcinoma; Hereditary breast cancer; BREAST CANCER, FAMILIAL. Identifiers: Orphanet 227535, MedGen C0346153, MONDO:0016419, OMIM 114480. Disease mechanism: loss of function.

Submission:

Myriad Genetics, Inc.
Classification: Benign for Familial cancer of breast. Last evaluated: 2024-08-21. Review status: criteria provided, single submitter. Criteria: Myriad Autosomal Dominant, Autosomal Recessive and X-Linked Classification Criteria (2023). Collection method: clinical testing. Allele origin: unknown.
Comment: This variant is considered benign. This variant is a silent/synonymous amino acid change and it is not expected to impact splicing.